The following is an entry in ClinVar:

NM_004006.3(DMD):c.3187T>G (p.Trp1063Gly)

Gene: DMD (dystrophin; minus strand). Cytogenetic location: Xp21.1.
Variant type: single nucleotide variant.
Coding change: c.3187T>G on transcript NM_004006.3 (MANE Select); coding-DNA position 3187, T replaced by G.
Protein change: p.Trp1063Gly; replaces tryptophan 1063 with glycine.
Molecular consequence: missense variant.
Genome position (GRCh38, 1-based): chrX:32,464,675, A>C on the plus strand (T>G on the coding strand, the complement: DMD is on the minus strand). VCF-style: chrX-32464675-A-C. GRCh37 (hg19) VCF-style: chrX-32482792-A-C.
Other names: c.3163T>G, p.Trp1055Gly (NM_000109.4); c.3175T>G, p.Trp1059Gly (NM_004009.3); c.2818T>G, p.Trp940Gly (NM_004010.3); short protein forms W1055G, W1059G, W1063G, W940G.
Identifiers: ClinVar variation 3766794 (VCV003766794.1).

ClinVar aggregate classification (germline): Uncertain significance (1 of 4 stars; one submission).

Submission:

ARUP Laboratories, Molecular Genetics and Genomics, ARUP Laboratories
Classification: Uncertain significance. Last evaluated: 2024-08-22. Review status: criteria provided, single submitter. Criteria: ARUP Molecular Germline Variant Investigation Process 2024. Collection method: clinical testing. Allele origin: germline.
Comment: The DMD c.3187T>G; p.Trp1063Gly variant (rs1603634106), to our knowledge, is not reported in the medical literature or gene specific databases. This variant is also absent from the Genome Aggregation Database (v2.1.1), indicating it is not a common polymorphism. Computational analyses predict that this variant is deleterious (REVEL: 0.783). However, given the lack of clinical and functional data, the significance of this variant is uncertain at this time.